The following is an entry in ClinVar:

ClinVar aggregate classification (germline): Uncertain significance (1 of 4 stars; one submission).

Submission:

GeneDx
Classification: Uncertain significance. Last evaluated: 2022-11-07. Review status: criteria provided, single submitter. Criteria: GeneDx Variant Classification Process June 2021. Collection method: clinical testing. Allele origin: germline. Affected: yes.
Comment: Not observed at significant frequency in large population cohorts (gnomAD); In silico analysis supports that this missense variant has a deleterious effect on protein structure/function; Has not been previously published as pathogenic or benign to our knowledge

NM_001127222.2(CACNA1A):c.455T>A (p.Ile152Asn)

Gene: CACNA1A (calcium voltage-gated channel subunit alpha1 A; minus strand). Cytogenetic location: 19p13.13.
Variant type: single nucleotide variant.
Coding change: c.455T>A on transcript NM_001127222.2 (MANE Select); coding-DNA position 455, T replaced by A.
Protein change: p.Ile152Asn; replaces isoleucine 152 with asparagine.
Molecular consequence: missense variant.
Genome position (GRCh38, 1-based): chr19:13,452,960, A>T on the plus strand (T>A on the coding strand, the complement: CACNA1A is on the minus strand). VCF-style: chr19-13452960-A-T. GRCh37 (hg19) VCF-style: chr19-13563774-A-T.
Other names: c.455T>A, p.Ile152Asn (NM_000068.4, NM_001127221.2, NM_001174080.2 and 1 more transcripts); short protein forms I152N.
Identifiers: ClinVar variation 2501991 (VCV002501991.1), dbSNP rs2513503752, ClinGen allele CA404967593.